The following is an entry in ClinVar:

ClinVar aggregate classification (germline): Uncertain significance (1 of 4 stars; one submission).

Submission:

Labcorp Genetics (formerly Invitae), Labcorp
Classification: Uncertain significance. Last evaluated: 2022-02-24. Review status: criteria provided, single submitter. Criteria: Invitae Variant Classification Sherloc (09022015). Collection method: clinical testing. Allele origin: germline.
Comment: This variant, c.389_394del, results in the deletion of 2 amino acid(s) of the ABCA4 protein (p.His130_Ile131del), but otherwise preserves the integrity of the reading frame. In summary, the available evidence is currently insufficient to determine the role of this variant in disease. Therefore, it has been classified as a Variant of Uncertain Significance. Experimental studies and prediction algorithms are not available or were not evaluated, and the functional significance of this variant is currently unknown. ClinVar contains an entry for this variant (Variation ID: 854762). This variant has not been reported in the literature in individuals affected with ABCA4-related conditions. This variant is not present in population databases (gnomAD no frequency).

NM_000350.3(ABCA4):c.389_394del (p.His130_Ile131del)

Gene: ABCA4 (ATP binding cassette subfamily A member 4; minus strand). Cytogenetic location: 1p22.1.
Variant type: Deletion.
Coding change: c.389_394del on transcript NM_000350.3 (MANE Select); coding-DNA positions 389 to 394, 6 bases deleted (ACATCT; older notation c.389_394delACATCT).
Protein change: p.His130_Ile131del.
Molecular consequence: inframe deletion. On other transcripts: inframe indel (1).
Genome position (GRCh38, 1-based): chr1:94,108,625-94,108,630, AGATGT deleted on the plus strand (ACATCT on the coding strand, the reverse complement: ABCA4 is on the minus strand). VCF-style (leftmost placement, unchanged base first): chr1-94108624-AAGATGT-A. GRCh37 (hg19) VCF-style: chr1-94574180-AAGATGT-A.
Other names: c.389_394delACATCT, p.His130_Ile131del (NM_001425324.1).
Identifiers: ClinVar variation 854762 (VCV000854762.11), dbSNP rs1662505763, ClinGen allele CA916082074.